The following is an entry in ClinVar:

ClinVar aggregate classification (germline): Uncertain significance. Review status: criteria provided, multiple submitters, no conflicts (2 of 4 stars). 4 submissions from 4 submitters: Uncertain significance (4). Last evaluated 2026-04-29.

Conditions:
PCNT-related disorder. Also called: PCNT-related condition.
Microcephalic osteodysplastic primordial dwarfism type II (MOPD2). Also called: OSTEODYSPLASTIC PRIMORDIAL DWARFISM, TYPE II; Microcephalic osteodysplastic primordial dwarfism with tooth abnormalities; MOPD II. Identifiers: Orphanet 2637, MedGen C0432246, MONDO:0008872, OMIM 210720.

Allele frequency attached by ClinVar (database versions not stated): TOPMed 0.00003; 1000 Genomes Project 30x 0.00016; 1000 Genomes Project 0.00020.
gnomAD v4.1: 32 of 1,614,008 alleles (0.002%); highest among the groups gnomAD compares: East Asian, 0.022%; no homozygotes.

Submissions (5):

PreventionGenetics, part of Exact Sciences
Classification: Uncertain significance for PCNT-related condition. Last evaluated: 2026-04-29. Review status: criteria provided, single submitter. Criteria: ACMG Guidelines, 2015. Collection method: clinical testing. Allele origin: germline.
Comment: The PCNT c.9278C>G variant is predicted to result in the amino acid substitution p.Ser3093Trp. To our knowledge, this variant has not been reported in the literature. This variant is reported in 0.022% of alleles in individuals of East Asian descent in gnomAD. At this time, the clinical significance of this variant is uncertain due to the absence of conclusive functional and genetic evidence.

Labcorp Genetics (formerly Invitae), Labcorp
Classification: Uncertain significance. Last evaluated: 2024-10-08. Review status: criteria provided, single submitter. Criteria: Invitae Variant Classification Sherloc (09022015). Collection method: clinical testing. Allele origin: germline.
Comment: This sequence change replaces serine, which is neutral and polar, with tryptophan, which is neutral and slightly polar, at codon 3093 of the PCNT protein (p.Ser3093Trp). This variant is present in population databases (rs374857206, gnomAD 0.02%). This variant has not been reported in the literature in individuals affected with PCNT-related conditions. ClinVar contains an entry for this variant (Variation ID: 340543). An algorithm developed to predict the effect of missense changes on protein structure and function (PolyPhen-2) suggests that this variant¬†is likely to be tolerated. In summary, the available evidence is currently insufficient to determine the role of this variant in disease. Therefore, it has been classified as a Variant of Uncertain Significance.

Illumina Laboratory Services, Illumina
Classification: Uncertain significance for Microcephalic osteodysplastic primordial dwarfism type II. Last evaluated: 2018-01-13. Review status: criteria provided, single submitter. Criteria: ICSL Variant Classification Criteria 13 December 2019. Collection method: clinical testing. Allele origin: germline.

GeneDx
Classification: Uncertain significance. Last evaluated: 2017-03-18. Review status: criteria provided, single submitter. Criteria: GeneDx Variant Classification (06012015). Collection method: clinical testing. Allele origin: germline. Affected: yes.
Comment: A variant of uncertain significance has been identified in the PCNT gene. The c.9278 C>G variant has not been published as a pathogenic variant, nor has it been reported as a benign variant to our knowledge. The c.9278 C>G variant is not observed at a significant frequency in large population cohorts (Lek et al., 2016; 1000 Genomes Consortium et al., 2015; Exome Variant Server). Several in-silico splice prediction models predict that c.9278 C>G creates or enhances a cryptic donor site which may supplant the natural donor site and lead to abnormal gene splicing. However, in the absence of RNA/functional studies, the actual effect of this sequence change in this individual is unknown. If the c.9278 C>G does not affect splicing, it will result in a S3093W missense substitution. The S3093W variant is a non-conservative amino acid substitution, which is likely to impact secondary protein structure as these residues differ in polarity, charge, size and/or other properties. However, this substitution occurs at a position that is not conserved. In silico analysis is inconsistent in its predictions as to whether or not the variant is damaging to the protein structure/function. Therefore, based on the currently available information, it is unclear whether this variant is a pathogenic variant or a rare benign variant.

Dr. Peter K. Rogan Lab, Western University
No classification provided (evidence only). Condition: Malignant lymphoma, large B-cell, diffuse. Review status: no classification provided. Collection method: in vitro. Allele origin: not applicable. Functional consequence: retained intron. Not counted in ClinVar's aggregate classification.

NM_006031.6(PCNT):c.9278C>G (p.Ser3093Trp)

Gene: PCNT (pericentrin; plus strand). Cytogenetic location: 21q22.3.
Variant type: single nucleotide variant.
Coding change: c.9278C>G on transcript NM_006031.6 (MANE Select); coding-DNA position 9278, C replaced by G.
Protein change: p.Ser3093Trp; replaces serine 3093 with tryptophan.
Molecular consequence: missense variant.
Genome position (GRCh38, 1-based): chr21:46,440,087, C>G. VCF-style: chr21-46440087-C-G. GRCh37 (hg19) VCF-style: chr21-47860000-C-G.
Other names: c.8687C>G, p.Ser2896Trp (NM_001315529.2); short protein forms S3093W, S2896W.
Identifiers: ClinVar variation 340543 (VCV000340543.11), dbSNP rs374857206, ClinGen allele CA10081273.
Genomic context (GRCh38, chr21:46,440,087, plus strand): 5'-AGATGCTCTTGTTGACGAGCAGCTCTGTAGACAGCGCTGGCTGTGCTTCCTTACAGAGGT[C>G]GGAAAGGTCTGCTTGGAAGCCAGACGAAACGGCTCCACAGAGTTCCCTGAGGCGCCCAGA-3'
Protein context (NP_006022.3, residues 3083-3103): HLQKGCSPSR[Ser3093Trp]ERSAWKPDET